The following is an entry in ClinVar:

NM_000069.3(CACNA1S):c.117C>G (p.Pro39=)

Gene: CACNA1S (calcium voltage-gated channel subunit alpha1 S; minus strand). Cytogenetic location: 1q32.1.
Variant type: single nucleotide variant.
Coding change: c.117C>G on transcript NM_000069.3 (MANE Select); coding-DNA position 117, C replaced by G.
Protein change: p.Pro39=; no amino-acid change (proline 39 retained).
Molecular consequence: synonymous variant.
Genome position (GRCh38, 1-based): chr1:201,112,223, G>C on the plus strand (C>G on the coding strand, the complement: CACNA1S is on the minus strand). VCF-style: chr1-201112223-G-C. GRCh37 (hg19) VCF-style: chr1-201081351-G-C.
Identifiers: ClinVar variation 3073348 (VCV003073348.1), dbSNP rs761494499, ClinGen allele CA078028.

ClinVar aggregate classification (germline): Likely benign (1 of 4 stars; one submission).

Conditions:
Malignant hyperthermia, susceptibility to, 5 (MHS5). Also called: CACNA1S-Related Malignant Hyperthermia Susceptibility. Identifiers: Orphanet 423, MedGen C1866077, MONDO:0011163, OMIM 601887.

Allele frequency attached by ClinVar (database versions not stated): gnomAD exomes below 0.00001.
gnomAD v4.1: 2 of 1,613,946 alleles (0.00012%); highest among the groups gnomAD compares: East Asian, 0.0022%; no homozygotes.

Submission:

All of Us Research Program, National Institutes of Health
Classification: Likely benign for Malignant hyperthermia, susceptibility to, 5. Last evaluated: 2023-09-04. Review status: criteria provided, single submitter. Criteria: ACMG Guidelines, 2015. Collection method: clinical testing. Allele origin: germline. Inheritance: Autosomal dominant inheritance. Observed: 1 variant allele, 1 heterozygote.
Comment: This study involves interpretation of variants in research participants for the purpose of population health screening. Participant phenotype was not available at the time of variant classification. Additional details can be found in publication PMID: 35346344, PMCID: PMC8962531